The following is an entry in ClinVar:

ClinVar aggregate classification (germline): Uncertain significance. Review status: criteria provided, multiple submitters, no conflicts (2 of 4 stars). 2 submissions from 2 submitters: Uncertain significance (2). Last evaluated 2025-09-26.

Conditions:
Hereditary cancer-predisposing syndrome. Also called: Neoplastic Syndromes, Hereditary; Tumor predisposition; Hereditary Cancer Syndrome; Hereditary neoplastic syndrome. Identifiers: Orphanet 140162, MedGen C0027672, MeSH D009386, MONDO:0015356.
Ataxia-telangiectasia syndrome (AT). Also called: Ataxia telangiectasia (A-T); ATAXIA-TELANGIECTASIA, COMPLEMENTATION GROUP A; ATAXIA-TELANGIECTASIA, FRESNO VARIANT; Ataxia-telangiectasia; Ataxia-telangiectasia, complementation group E; LOUIS-BAR SYNDROME. Identifiers: Orphanet 100, MedGen C0004135, MONDO:0008840, OMIM 208900.

Submissions (2):

Ambry Genetics
Classification: Uncertain significance for Hereditary cancer-predisposing syndrome. Last evaluated: 2025-09-26. Review status: criteria provided, single submitter. Criteria: Ambry Variant Classification Scheme 2023. Collection method: clinical testing. Allele origin: germline.
Comment: The p.R2136K variant (also known as c.6407G>A), located in coding exon 43 of the ATM gene, results from a G to A substitution at nucleotide position 6407. The arginine at codon 2136 is replaced by lysine, an amino acid with highly similar properties. This amino acid position is conserved. In addition, this alteration is predicted to be tolerated by in silico analysis. Based on the available evidence, the clinical significance of this variant remains unclear.

Labcorp Genetics (formerly Invitae), Labcorp
Classification: Uncertain significance for Ataxia-telangiectasia syndrome. Last evaluated: 2020-07-13. Review status: criteria provided, single submitter. Criteria: Invitae Variant Classification Sherloc (09022015). Collection method: clinical testing. Allele origin: germline.
Comment: This variant has not been reported in the literature in individuals with ATM-related conditions. This variant is not present in population databases (ExAC no frequency). This sequence change replaces arginine with lysine at codon 2136 of the ATM protein (p.Arg2136Lys). The arginine residue is moderately conserved and there is a small physicochemical difference between arginine and lysine. Algorithms developed to predict the effect of missense changes on protein structure and function output the following: SIFT: "Tolerated"; PolyPhen-2: "Benign"; Align-GVGD: "Class C0". The lysine amino acid residue is found in multiple mammalian species, suggesting that this missense change does not adversely affect protein function. These predictions have not been confirmed by published functional studies and their clinical significance is uncertain. In summary, the available evidence is currently insufficient to determine the role of this variant in disease. Therefore, it has been classified as a Variant of Uncertain Significance.

NM_000051.4(ATM):c.6407G>A (p.Arg2136Lys)

Genes: ATM (ATM serine/threonine kinase; plus strand), C11orf65 (chromosome 11 open reading frame 65; minus strand). Cytogenetic location: 11q22.3.
Variant type: single nucleotide variant.
Coding change: c.6407G>A on transcript NM_000051.4 (MANE Select); coding-DNA position 6407, G replaced by A.
Protein change: p.Arg2136Lys; replaces arginine 2136 with lysine.
Molecular consequence: missense variant. On other transcripts: intron variant (2).
Genome position (GRCh38, 1-based): chr11:108,320,013, G>A. VCF-style: chr11-108320013-G-A. GRCh37 (hg19) VCF-style: chr11-108190740-G-A.
Other names: c.6407G>A, p.Arg2136Lys (NM_001351834.2); c.641-10942C>T (NM_001330368.2); c.*39-10942C>T (NM_001351110.2); short protein forms R2136K.
Identifiers: ClinVar variation 1024464 (VCV001024464.9), dbSNP rs2085084255, ClinGen allele CA382553412.